The following is an entry in ClinVar:

ClinVar aggregate classification (germline): Pathogenic (1 of 4 stars; one submission).

Conditions:
Primary ciliary dyskinesia. Also called: Ciliary dyskinesia. Identifiers: Orphanet 244, MedGen C0008780, MONDO:0016575, HP:0012265.

Submission:

Labcorp Genetics (formerly Invitae), Labcorp
Classification: Pathogenic for Primary ciliary dyskinesia. Last evaluated: 2022-10-04. Review status: criteria provided, single submitter. Criteria: Invitae Variant Classification Sherloc (09022015). Collection method: clinical testing. Allele origin: germline.
Comment: This variant has not been reported in the literature in individuals affected with DNAH11-related conditions. For these reasons, this variant has been classified as Pathogenic. Algorithms developed to predict the effect of sequence changes on RNA splicing suggest that this variant may disrupt the consensus splice site. This variant is present in population databases (no rsID available, gnomAD 0.006%). This sequence change creates a premature translational stop signal (p.Glu3685*) in the DNAH11 gene. It is expected to result in an absent or disrupted protein product. Loss-of-function variants in DNAH11 are known to be pathogenic (PMID: 18022865, 20513915, 22184204).

Literature cited by the submitters: PubMed 18022865; PubMed 20513915; PubMed 22184204.

NM_001277115.2(DNAH11):c.11051_11052dup (p.Glu3685Ter)

Gene: DNAH11 (dynein axonemal heavy chain 11; plus strand). Cytogenetic location: 7p15.3.
Variant type: Duplication.
Coding change: c.11051_11052dup on transcript NM_001277115.2 (MANE Select); coding-DNA positions 11051 to 11052, 2 bases duplicated (TA; older notation c.11051_11052dupTA).
Protein change: p.Glu3685Ter; replaces glutamic acid 3685 with a stop codon.
Molecular consequence: nonsense. On other transcripts: frameshift variant (1).
Genome position (GRCh38, 1-based): chr7:21,852,621-21,852,622, TA duplicated; duplicating any 2 consecutive bases within chr7:21,852,620-21,852,622 gives the same sequence; the c. name uses the placement nearest the transcript's 3' end. VCF-style (leftmost placement, unchanged base first): chr7-21852619-G-GAT. GRCh37 (hg19) VCF-style: chr7-21892237-G-GAT.
Other names: c.11072_11073dup, p.Glu3692Terfs (NM_003777.3); short protein forms E3685*.
Identifiers: ClinVar variation 2039928 (VCV002039928.4), dbSNP rs1204692060, ClinGen allele CA573292808.